The following is an entry in ClinVar:

NM_006133.3(DAGLA):c.1785C>G (p.Ala595=)

Gene: DAGLA (diacylglycerol lipase alpha; plus strand). Cytogenetic location: 11q12.2.
Variant type: single nucleotide variant.
Coding change: c.1785C>G on transcript NM_006133.3 (MANE Select); coding-DNA position 1785, C replaced by G.
Protein change: p.Ala595=; no amino-acid change (alanine 595 retained).
Molecular consequence: synonymous variant.
Genome position (GRCh38, 1-based): chr11:61,739,593, C>G. VCF-style: chr11-61739593-C-G. GRCh37 (hg19) VCF-style: chr11-61507065-C-G.
Identifiers: ClinVar variation 3045733 (VCV003045733.6), dbSNP rs145797037, ClinGen allele CA6037005.
Genomic context (GRCh38, chr11:61,739,593, plus strand): 5'-CACCCTGGCCAGCACGCGGCTCTGGACCCACCCCAGCGACCTAACTATAGCCCTCTCAGC[C>G]AGCACTCCACTCTACCCGCCCGGCCGCATCATCCACGTGGTCCACAACCACCCTGCAGAG-3'
Protein context (NP_006124.1, residues 585-605): HPSDLTIALS[Ala595=]STPLYPPGRI

ClinVar aggregate classification (germline): Likely benign. Review status: criteria provided, single submitter (1 of 4 stars). 2 submissions from 2 submitters: Likely benign (1). 1 of the submissions does not count toward it. Last evaluated 2026-01-01.

Conditions:
DAGLA-related disorder. Also called: DAGLA-related condition.

Allele frequency attached by ClinVar (database versions not stated): gnomAD exomes 0.00025; ExAC 0.00027; 1000 Genomes Project 30x 0.00031; ESP Exome Variant Server 0.00031; 1000 Genomes Project 0.00040; gnomAD 0.00040; TOPMed 0.00055.
gnomAD v4.1: 449 of 1,614,170 alleles (0.028%); highest among the groups gnomAD compares: Middle Eastern, 0.53%; 1 homozygote.

Submissions (2):

CeGaT Center for Human Genetics Tuebingen
Classification: Likely benign. Last evaluated: 2026-01-01. Review status: criteria provided, single submitter. Criteria: CeGaT Center For Human Genetics Tuebingen Variant Classification Criteria Version 2. Collection method: clinical testing. Allele origin: germline. Affected: yes. Observed: 1 variant allele.
Comment: DAGLA: BP4, BP7

PreventionGenetics, part of Exact Sciences
Classification: Likely benign for DAGLA-related condition. Last evaluated: 2019-02-22. Review status: no assertion criteria provided. Collection method: clinical testing. Allele origin: germline. Not counted in ClinVar's aggregate classification.
Comment: This variant is classified as likely benign based on ACMG/AMP sequence variant interpretation guidelines (Richards et al. 2015 PMID: 25741868, with internal and published modifications).